The following is an entry in ClinVar:

NM_000180.4(GUCY2D):c.1225G>A (p.Ala409Thr)

Gene: GUCY2D (guanylate cyclase 2D, retinal; plus strand). Cytogenetic location: 17p13.1.
Variant type: single nucleotide variant.
Coding change: c.1225G>A on transcript NM_000180.4 (MANE Select); coding-DNA position 1225, G replaced by A.
Protein change: p.Ala409Thr; replaces alanine 409 with threonine.
Molecular consequence: missense variant.
Genome position (GRCh38, 1-based): chr17:8,006,561, G>A. VCF-style: chr17-8006561-G-A. GRCh37 (hg19) VCF-style: chr17-7909879-G-A.
Other names: short protein forms A409T.
Identifiers: ClinVar variation 1393477 (VCV001393477.3), dbSNP rs144565168, ClinGen allele CA287524761.

ClinVar aggregate classification (germline): Uncertain significance (1 of 4 stars; one submission).

Conditions:
Cone-rod dystrophy 6 (CORD6). Also called: Cone dystrophy progressive; RETINAL CONE DYSTROPHY 2. Identifiers: Orphanet 1872, MedGen C1866293, MONDO:0011143, OMIM 601777.
Leber congenital amaurosis 1 (LCA1). Also called: Congenital absence of the rods and cones; Leber's congenital tapetoretinal degeneration; Leber's congenital tapetoretinal dysplasia; AMAUROSIS CONGENITA OF LEBER I; RETINAL BLINDNESS, CONGENITAL. Identifiers: Orphanet 65, MedGen C2931258, MONDO:0008764, OMIM 204000.

Allele frequency attached by ClinVar (database versions not stated): TOPMed below 0.00001; gnomAD 0.00001; ESP Exome Variant Server 0.00008.

Submission:

Labcorp Genetics (formerly Invitae), Labcorp
Classification: Uncertain significance for Leber congenital amaurosis 1; Cone-rod dystrophy 6. Last evaluated: 2022-09-19. Review status: criteria provided, single submitter. Criteria: Invitae Variant Classification Sherloc (09022015). Collection method: clinical testing. Allele origin: germline.
Comment: This sequence change replaces alanine, which is neutral and non-polar, with threonine, which is neutral and polar, at codon 409 of the GUCY2D protein (p.Ala409Thr). This variant is not present in population databases (gnomAD no frequency). This variant has not been reported in the literature in individuals affected with GUCY2D-related conditions. ClinVar contains an entry for this variant (Variation ID: 1393477). Advanced modeling of protein sequence and biophysical properties (such as structural, functional, and spatial information, amino acid conservation, physicochemical variation, residue mobility, and thermodynamic stability) performed at Invitae indicates that this missense variant is not expected to disrupt GUCY2D protein function. In summary, the available evidence is currently insufficient to determine the role of this variant in disease. Therefore, it has been classified as a Variant of Uncertain Significance.